The following is an entry in ClinVar:

NM_007255.3(B4GALT7):c.639+1G>A

Gene: B4GALT7 (beta-1,4-galactosyltransferase 7; plus strand). Cytogenetic location: 5q35.3.
Variant type: single nucleotide variant.
Coding change: c.639+1G>A on transcript NM_007255.3 (MANE Select); the canonical splice donor site of the intron after coding-DNA position 639, G replaced by A.
Molecular consequence: splice donor variant.
Genome position (GRCh38, 1-based): chr5:177,607,528, G>A. VCF-style: chr5-177607528-G-A. GRCh37 (hg19) VCF-style: chr5-177034529-G-A.
Identifiers: ClinVar variation 4771556 (VCV004771556.1).
Genomic context (GRCh38, chr5:177,607,528, plus strand): 5'-TACCACTACAAGACCTATGTCGGCGGCATCCTGCTGCTCTCCAAGCAGCACTACCGGCTG[G>A]TGAGGCCCGGACAGCCTGCTCTGCTCAGAGCCGGGAGCTCCCTCCAGGCTGCGGGTGGTG-3'

ClinVar aggregate classification (germline): Likely pathogenic (1 of 4 stars; one submission).

Conditions:
Spondylodysplastic Ehlers-Danlos syndrome. Identifiers: Orphanet 536471, Orphanet 75496, MedGen C5680154, MONDO:0007526.

gnomAD v4.1: 3 of 1,610,152 alleles (0.00019%); highest among the groups gnomAD compares: South Asian, 0.0033%; no homozygotes.

Submission:

Labcorp Genetics (formerly Invitae), Labcorp
Classification: Likely pathogenic for Spondylodysplastic Ehlers-Danlos syndrome. Last evaluated: 2025-09-04. Review status: criteria provided, single submitter. Criteria: Invitae Variant Classification Sherloc (09022015). Collection method: clinical testing. Allele origin: germline.
Comment: This sequence change affects a donor splice site in intron 3 of the B4GALT7 gene. It is expected to disrupt RNA splicing. Variants that disrupt the donor or acceptor splice site typically lead to a loss of protein function (PMID: 16199547), and loss-of-function variants in B4GALT7 are known to be pathogenic (PMID: 26940150, 31614862, 38431799). This variant is present in population databases (rs757042339, gnomAD 0.006%). This variant has not been reported in the literature in individuals affected with B4GALT7-related conditions. Algorithms developed to predict the effect of sequence changes on RNA splicing suggest that this variant may disrupt the consensus splice site. In summary, the currently available evidence indicates that the variant is pathogenic, but additional data are needed to prove that conclusively. Therefore, this variant has been classified as Likely Pathogenic.

Literature cited by the submitters: PubMed 16199547; PubMed 26940150; PubMed 31614862; PubMed 38431799.